The following is an entry in ClinVar:

NM_000824.5(GLRB):c.1456T>G (p.Leu486Val)

Gene: GLRB (glycine receptor beta; plus strand). Cytogenetic location: 4q32.1.
Variant type: single nucleotide variant.
Coding change: c.1456T>G on transcript NM_000824.5 (MANE Select); coding-DNA position 1456, T replaced by G.
Protein change: p.Leu486Val; replaces leucine 486 with valine.
Molecular consequence: missense variant. On other transcripts: 3 prime UTR variant (1).
Genome position (GRCh38, 1-based): chr4:157,170,690, T>G. VCF-style: chr4-157170690-T-G. GRCh37 (hg19) VCF-style: chr4-158091842-T-G.
Other names: c.1456T>G, p.Leu486Val (NM_001166060.2); c.*251T>G (NM_001166061.2); short protein forms L486V.
Identifiers: ClinVar variation 1472130 (VCV001472130.8), dbSNP rs2126638141, ClinGen allele CA358645422.

ClinVar aggregate classification (germline): Uncertain significance (1 of 4 stars; one submission).

Conditions:
Hyperekplexia 2 (HKPX2). Identifiers: Orphanet 3197, MedGen C3553291, MONDO:0013828, OMIM 614619.

gnomAD v4.1: 1 of 1,597,558 alleles (0.000063%); highest among the groups gnomAD compares: Non-Finnish European, 0.000086%; no homozygotes.

Submission:

Labcorp Genetics (formerly Invitae), Labcorp
Classification: Uncertain significance for Hyperekplexia 2. Last evaluated: 2023-07-07. Review status: criteria provided, single submitter. Criteria: Invitae Variant Classification Sherloc (09022015). Collection method: clinical testing. Allele origin: germline.
Comment: In summary, the available evidence is currently insufficient to determine the role of this variant in disease. Therefore, it has been classified as a Variant of Uncertain Significance. This sequence change replaces leucine, which is neutral and non-polar, with valine, which is neutral and non-polar, at codon 486 of the GLRB protein (p.Leu486Val). This variant is not present in population databases (gnomAD no frequency). This variant has not been reported in the literature in individuals affected with GLRB-related conditions. ClinVar contains an entry for this variant (Variation ID: 1472130). Advanced modeling of protein sequence and biophysical properties (such as structural, functional, and spatial information, amino acid conservation, physicochemical variation, residue mobility, and thermodynamic stability) performed at Invitae indicates that this missense variant is not expected to disrupt GLRB protein function.